The following is an entry in ClinVar:

ClinVar aggregate classification (germline): Uncertain significance (1 of 4 stars; one submission).

Submission:

GeneDx
Classification: Uncertain significance. Last evaluated: 2023-11-02. Review status: criteria provided, single submitter. Criteria: GeneDx Variant Classification Process June 2021. Collection method: clinical testing. Allele origin: germline. Affected: yes.
Comment: Not observed at significant frequency in large population cohorts (gnomAD); In silico analysis supports that this missense variant has a deleterious effect on protein structure/function; Has not been previously published as pathogenic or benign to our knowledge

NM_004560.4(ROR2):c.1037A>T (p.His346Leu)

Gene: ROR2 (receptor tyrosine kinase like orphan receptor 2; minus strand). Cytogenetic location: 9q22.31.
Variant type: single nucleotide variant.
Coding change: c.1037A>T on transcript NM_004560.4 (MANE Select); coding-DNA position 1037, A replaced by T.
Protein change: p.His346Leu; replaces histidine 346 with leucine.
Molecular consequence: missense variant.
Genome position (GRCh38, 1-based): chr9:91,731,056, T>A on the plus strand (A>T on the coding strand, the complement: ROR2 is on the minus strand). VCF-style: chr9-91731056-T-A. GRCh37 (hg19) VCF-style: chr9-94493338-T-A.
Other names: c.1037A>T, p.His346Leu (NM_001318204.2); short protein forms H346L.
Identifiers: ClinVar variation 3363965 (VCV003363965.1).